The following is an entry in ClinVar:

ClinVar aggregate classification (germline): Uncertain significance (1 of 4 stars; one submission).

Conditions:
Granulomatous disease, chronic, X-linked. Also called: GRANULOMATOUS DISEASE, CHRONIC, X-LINKED, SOMATIC MOSAIC; CYTOCHROME b-NEGATIVE GRANULOMATOUS DISEASE, CHRONIC, X-LINKED. Identifiers: Orphanet 379, MedGen C1844376, MONDO:0010600, OMIM 306400.

Allele frequency attached by ClinVar (database versions not stated): gnomAD exomes below 0.00001; gnomAD 0.00001.
gnomAD v4.1: 2 of 1,209,043 alleles (0.00017%); highest among the groups gnomAD compares: East Asian, 0.003%; no homozygotes.

Submission:

Labcorp Genetics (formerly Invitae), Labcorp
Classification: Uncertain significance for Granulomatous disease, chronic, X-linked. Last evaluated: 2023-11-07. Review status: criteria provided, single submitter. Criteria: Invitae Variant Classification Sherloc (09022015). Collection method: clinical testing. Allele origin: germline.
Comment: This sequence change replaces arginine, which is basic and polar, with tryptophan, which is neutral and slightly polar, at codon 446 of the CYBB protein (p.Arg446Trp). This variant is present in population databases (no rsID available, gnomAD no frequency). This variant has not been reported in the literature in individuals affected with CYBB-related conditions. Advanced modeling of protein sequence and biophysical properties (such as structural, functional, and spatial information, amino acid conservation, physicochemical variation, residue mobility, and thermodynamic stability) performed at Invitae indicates that this missense variant is expected to disrupt CYBB protein function with a positive predictive value of 80%. In summary, the available evidence is currently insufficient to determine the role of this variant in disease. Therefore, it has been classified as a Variant of Uncertain Significance.

NM_000397.4(CYBB):c.1336C>T (p.Arg446Trp)

Gene: CYBB (cytochrome b-245 beta chain; plus strand). Cytogenetic location: Xp11.4.
Variant type: single nucleotide variant.
Coding change: c.1336C>T on transcript NM_000397.4 (MANE Select); coding-DNA position 1336, C replaced by T.
Protein change: p.Arg446Trp; replaces arginine 446 with tryptophan.
Molecular consequence: missense variant.
Genome position (GRCh38, 1-based): chrX:37,806,408, C>T. VCF-style: chrX-37806408-C-T. GRCh37 (hg19) VCF-style: chrX-37665661-C-T.
Other names: short protein forms R446W.
Identifiers: ClinVar variation 3007579 (VCV003007579.3), dbSNP rs1556471637, ClinGen allele CA412978026.